The following is an entry in ClinVar:

NM_000222.3(KIT):c.1504G>T (p.Ala502Ser)

Gene: KIT (KIT proto-oncogene, receptor tyrosine kinase; plus strand). Cytogenetic location: 4q12.
Variant type: single nucleotide variant.
Coding change: c.1504G>T on transcript NM_000222.3 (MANE Select); coding-DNA position 1504, G replaced by T.
Protein change: p.Ala502Ser; replaces alanine 502 with serine.
Molecular consequence: missense variant.
Genome position (GRCh38, 1-based): chr4:54,726,014, G>T. VCF-style: chr4-54726014-G-T. GRCh37 (hg19) VCF-style: chr4-55592180-G-T.
Other names: c.1504G>T, p.Ala502Ser (NM_001093772.2, NM_001385285.1, NM_001385286.1); c.1507G>T, p.Ala503Ser (NM_001385284.1, NM_001385288.1, NM_001385290.1 and 1 more transcripts); short protein forms A502S, A503S.
Identifiers: ClinVar variation 2002401 (VCV002002401.4), dbSNP rs2109769591, ClinGen allele CA356906594.

ClinVar aggregate classification (germline): Uncertain significance (1 of 4 stars; one submission).

Conditions:
Gastrointestinal stromal tumor. Also called: Gastrointestinal stroma tumor; Gastrointestinal stromal tumor, somatic. Identifiers: Orphanet 44890, MedGen C0238198, MeSH D046152, MONDO:0011719, OMIM 606764, HP:0100723.

Submission:

Labcorp Genetics (formerly Invitae), Labcorp
Classification: Uncertain significance for Gastrointestinal stromal tumor. Last evaluated: 2025-01-27. Review status: criteria provided, single submitter. Criteria: Invitae Variant Classification Sherloc (09022015). Collection method: clinical testing. Allele origin: germline.
Comment: This sequence change replaces alanine, which is neutral and non-polar, with serine, which is neutral and polar, at codon 502 of the KIT protein (p.Ala502Ser). This variant is not present in population databases (gnomAD no frequency). This variant has not been reported in the literature in individuals affected with KIT-related conditions. ClinVar contains an entry for this variant (Variation ID: 2002401). An algorithm developed to predict the effect of missense changes on protein structure and function (PolyPhen-2) suggests that this variant is likely to be tolerated. In summary, the available evidence is currently insufficient to determine the role of this variant in disease. Therefore, it has been classified as a Variant of Uncertain Significance.